The following is an entry in ClinVar:

NM_001146312.3(MYOCD):c.2691C>A (p.Asp897Glu)

Genes: ARHGAP44-AS1 (ARHGAP44 and MYOCD antisense RNA 1; minus strand), MYOCD (myocardin; plus strand). Cytogenetic location: 17p12.
Variant type: single nucleotide variant.
Coding change: c.2691C>A on transcript NM_001146312.3 (MANE Select); coding-DNA position 2691, C replaced by A.
Protein change: p.Asp897Glu; replaces aspartic acid 897 with glutamic acid.
Molecular consequence: missense variant. On other transcripts: non-coding transcript variant (1).
Genome position (GRCh38, 1-based): chr17:12,763,374, C>A. VCF-style: chr17-12763374-C-A. GRCh37 (hg19) VCF-style: chr17-12666691-C-A.
Other names: c.2454C>A, p.Asp818Glu (NM_001378306.1); c.2547C>A, p.Asp849Glu (NM_153604.4); short protein forms D818E, D897E, D849E.
Identifiers: ClinVar variation 4981507 (VCV004981507.1).
Genomic context (GRCh38, chr17:12,763,374, plus strand): 5'-GAGCGAAGAGCCTCACTTTGATGGGATAATGGATGGATTCTCTGGGAAGGCTGCAGAAGA[C>A]CTCTTCAATGCACATGAGATCTTGCCAGGCCCCCTCTCTCCAATGCAGACACAGTTTTCA-3'
Protein context (NP_001139784.1, residues 887-907): MDGFSGKAAE[Asp897Glu]LFNAHEILPG

ClinVar aggregate classification (germline): Likely benign (1 of 4 stars; one submission).

Conditions:
MYOCD-related condition.

gnomAD v4.1: 2,449 of 1,599,326 alleles (0.15%); highest among the groups gnomAD compares: Non-Finnish European, 0.19%; 4 homozygotes.

Submission:

PreventionGenetics, part of Exact Sciences
Classification: Likely benign for MYOCD-related condition. Last evaluated: 2026-07-27. Review status: criteria provided, single submitter. Criteria: ACMG Guidelines, 2015. Collection method: clinical testing. Allele origin: germline.
Comment: This variant is classified as likely benign based on ACMG/AMP sequence variant interpretation guidelines (Richards et al. 2015 PMID: 25741868, with internal and published modifications).